The following is an entry in ClinVar:

ClinVar aggregate classification (germline): Uncertain significance. Review status: criteria provided, multiple submitters, no conflicts (2 of 4 stars). 3 submissions from 3 submitters: Uncertain significance (3). Last evaluated 2025-08-14.

Conditions:
O'Donnell-Luria-Rodan syndrome (ODLURO). Also called: KMT2E-Related Neurodevelopmental Disorder. Identifiers: MedGen C5193138, MONDO:0032793, OMIM 618512.
Inborn genetic diseases. Identifiers: MedGen C0950123, MeSH D030342.

Submissions (3):

Ambry Genetics
Classification: Uncertain significance for Inborn genetic diseases. Last evaluated: 2025-08-14. Review status: criteria provided, single submitter. Criteria: Ambry Variant Classification Scheme 2023. Collection method: clinical testing. Allele origin: germline.

GeneDx
Classification: Uncertain significance. Last evaluated: 2024-10-05. Review status: criteria provided, single submitter. Criteria: GeneDx Variant Classification Process June 2021. Collection method: clinical testing. Allele origin: germline. Affected: yes.
Comment: Not observed at significant frequency in large population cohorts (gnomAD); In silico analysis supports that this missense variant has a deleterious effect on protein structure/function; A different missense change at this residue (V140I) has been reported in association with a KMT2E-related disorder in the Human Gene Mutation Database (HGMD); Has not been previously published as pathogenic or benign to our knowledge

Neuberg Centre For Genomic Medicine, NCGM
Classification: Uncertain significance for O'Donnell-Luria-Rodan syndrome. Last evaluated: 2023-05-20. Review status: criteria provided, single submitter. Criteria: ACMG Guidelines, 2015. Collection method: clinical testing. Allele origin: germline. Inheritance: Autosomal dominant inheritance. Affected: yes.
Comment: The observed missense variant c.419T>A (p.Val140Asp) in KMT2E gene has not been reported previously as a pathogenic variant nor as a benign variant, to our knowledge. The p.Val140Asp variant is absent in gnomAD Exomes. This variant has not been submitted to the ClinVar database. Multiple lines of computational evidence (Polyphen - Probably damaging, SIFT - Damaging and Mutation Taster - Disease causing) predict a damaging effect on protein structure and function for this variant. The reference amino acid of p.Val140Asp in KMT2E is predicted as conserved by GERP++ and PhyloP across 100 vertebrates. The amino acid Val at position 140 is changed to a Asp changing protein sequence and it might alter its composition and physico-chemical properties. For these reasons, this variant has been classified as Variant of Uncertain Significance (VUS).

NM_182931.3(KMT2E):c.419T>A (p.Val140Asp)

Gene: KMT2E (lysine methyltransferase 2E (inactive); plus strand). Cytogenetic location: 7q22.3.
Variant type: single nucleotide variant.
Coding change: c.419T>A on transcript NM_182931.3 (MANE Select); coding-DNA position 419, T replaced by A.
Protein change: p.Val140Asp; replaces valine 140 with aspartic acid.
Molecular consequence: missense variant.
Genome position (GRCh38, 1-based): chr7:105,066,729, T>A. VCF-style: chr7-105066729-T-A. GRCh37 (hg19) VCF-style: chr7-104707176-T-A.
Other names: c.419T>A (NM_182931.2); c.419T>A, p.Val140Asp (NM_001410908.1, NM_018682.4); short protein forms V140D.
Identifiers: ClinVar variation 3367075 (VCV003367075.3).